The following is an entry in ClinVar:

NM_001042492.3(NF1):c.6003_6006+1dup

Gene: NF1 (neurofibromin 1; plus strand). Cytogenetic location: 17q11.2.
Variant type: Duplication.
Coding change: c.6003_6006+1dup on transcript NM_001042492.3 (MANE Select); coding-DNA position 6003 through the canonical splice donor site of the intron after coding-DNA position 6006, 5 bases duplicated (GCAGG; older notation c.6003_6006+1dupGCAGG).
Molecular consequence: splice donor variant.
Genome position (GRCh38, 1-based): chr17:31,335,028-31,335,032, GCAGG duplicated; duplicating any 5 consecutive bases within chr17:31,335,026-31,335,032 gives the same sequence; the c. name uses the placement nearest the transcript's 3' end. VCF-style (leftmost placement, unchanged base first): chr17-31335025-T-TGGGCA. GRCh37 (hg19) VCF-style: chr17-29662043-T-TGGGCA.
Other names: c.5940_5943+1dupGCAGG (NM_000267.3); c.5940_5943+1dup (NM_000267.4).
Identifiers: ClinVar variation 1750622 (VCV001750622.2), dbSNP rs2508737761, ClinGen allele CA2580093021.
Genomic context (GRCh38, chr17:31,335,025, plus strand): 5'-AATGACCATCAATGAAAAACAGATGTACCCATCTATTCAAGCAAAAATATGGGGAAGCCT[T>TGGGCA]GGGCAGGTATTGAGTTTGCTCAAATATTTATCTAGTATCTCCTTTGTGCACATATTTATC-3'

ClinVar aggregate classification (germline): Likely pathogenic (1 of 4 stars; one submission).

Conditions:
Cardiovascular phenotype. Identifiers: MedGen CN230736.
Hereditary cancer-predisposing syndrome. Also called: Hereditary Cancer Syndrome; Hereditary neoplastic syndrome; Neoplastic Syndromes, Hereditary; Tumor predisposition. Identifiers: Orphanet 140162, MedGen C0027672, MeSH D009386, MONDO:0015356.

Submission:

Ambry Genetics
Classification: Likely pathogenic for Cardiovascular phenotype; Hereditary cancer-predisposing syndrome. Last evaluated: 2022-03-28. Review status: criteria provided, single submitter. Criteria: Ambry Variant Classification Scheme 2023. Collection method: clinical testing. Allele origin: germline.
Comment: The c.5940_5943+1dupGCAGG variant results from a duplication of 5 nucleotides between positions 5940 and 5943+1 and involves the canonical splice donor site after coding exon 39 of the NF1 gene. In silico splice site analysis predicts that this alteration will weaken the native splice donor site and result in the creation or strengthening of a novel splice donor site. however, the exact impact of this duplication on NF1 splicing and function is currently unknown. This variant is considered to be rare based on population cohorts in the Genome Aggregation Database (gnomAD). Alterations that disrupt the canonical splice site are expected to cause aberrant splicing, resulting in an abnormal protein or a transcript that is subject to nonsense-mediated mRNA decay. As such, this alteration is classified as likely pathogenic.